The following is an entry in ClinVar:

ClinVar aggregate classification (germline): Likely benign. Review status: criteria provided, multiple submitters, no conflicts (2 of 4 stars). 2 submissions from 2 submitters: Likely benign (2). Last evaluated 2026-08-01.

Submissions (2):

CeGaT Center for Human Genetics Tuebingen
Classification: Likely benign. Last evaluated: 2026-08-01. Review status: criteria provided, single submitter. Criteria: CeGaT Center For Human Genetics Tuebingen Variant Classification Criteria Version 2. Collection method: clinical testing. Allele origin: germline. Affected: yes. Observed: 7 variant alleles.
Comment: FLII: BS2

Labcorp Genetics (formerly Invitae), Labcorp
Classification: Likely benign. Last evaluated: 2019-12-31. Review status: criteria provided, single submitter. Criteria: Invitae Variant Classification Sherloc (09022015). Collection method: clinical testing. Allele origin: germline.

NM_002018.4(FLII):c.2866GAG[1] (p.Glu957del)

Gene: FLII (FLII actin remodeling protein; minus strand). Cytogenetic location: 17p11.2.
Variant type: Microsatellite.
Coding change: c.2866GAG[1] on transcript NM_002018.4 (MANE Select); one copy of the 3-base unit GAG starting at c.2866; the reference has two copies in a row; one copy, 3 bases deleted; also written c.2869_2871del.
Protein change: p.Glu957del; deletes glutamic acid 957.
Molecular consequence: inframe deletion.
Genome position (GRCh38, 1-based): chr17:18,246,774-18,246,776, CTC deleted on the plus strand (GAG on the coding strand, the reverse complement: FLII is on the minus strand); deleting any 3 consecutive bases within chr17:18,246,774-18,246,781 gives the same sequence; the position shown is the placement nearest the transcript's 3' end. VCF-style (leftmost placement, unchanged base first): chr17-18246773-TCTC-T. GRCh37 (hg19) VCF-style: chr17-18150087-TCTC-T.
Other names: c.2833GAG[1], p.Glu946del (NM_001256264.2); c.2701GAG[1], p.Glu902del (NM_001256265.2); c.2869_2871del (NM_002018.3); short protein forms E902del, E946del, E957del.
Identifiers: ClinVar variation 777137 (VCV000777137.28), dbSNP rs139095003, ClinGen allele CA8427906.